The following is an entry in ClinVar:

ClinVar aggregate classification (germline): Pathogenic/Likely pathogenic. Review status: criteria provided, multiple submitters, no conflicts (2 of 4 stars). 3 submissions from 3 submitters: Pathogenic (1); Likely pathogenic (1). 1 of the submissions does not count toward it. Last evaluated 2025-08-08.

Conditions:
Metaphyseal chondrodysplasia, Schmid type (MCDS). Also called: SPONDYLOMETAPHYSEAL DYSPLASIA, JAPANESE TYPE. Identifiers: Orphanet 174, MedGen C0265289, MONDO:0007983, OMIM 156500.

Submissions (3):

Dasa
Classification: Likely pathogenic. Last evaluated: 2025-08-08. Review status: criteria provided, single submitter. Criteria: DASA Assertion Criteria. Collection method: clinical testing. Allele origin: germline.
Comment: NM_000493.4(COL10A1):c.53G>A (p.Gly18Glu) is a missense variant that results in the substitution of glycine with glutamic acid. The affected residue or protein region has prior evidence supporting clinical relevance. This variant has been reported in individuals with COL10A1-related disorders (PMID: 9067753). This variant has been reported as a de novo occurrence in an affected individual (PMID: 9067753). Also, this variant is absent from population databases. Computational evidence supports a deleterious effect. Based on the currently available evidence, this variant is classified as likely pathogenic.

Labcorp Genetics (formerly Invitae), Labcorp
Classification: Pathogenic. Last evaluated: 2022-01-06. Review status: criteria provided, single submitter. Criteria: Invitae Variant Classification Sherloc (09022015). Collection method: clinical testing. Allele origin: germline.
Comment: For these reasons, this variant has been classified as Pathogenic. Algorithms developed to predict the effect of missense changes on protein structure and function are either unavailable or do not agree on the potential impact of this missense change (SIFT: "Deleterious"; PolyPhen-2: "Not Available"; Align-GVGD: "Class C0"). ClinVar contains an entry for this variant (Variation ID: 17476). This missense change has been observed in individual(s) with clinical features of metaphyseal chondrodysplasia (PMID: 9067753; Invitae). In at least one individual the variant was observed to be de novo. This variant is not present in population databases (gnomAD no frequency). This sequence change replaces glycine, which is neutral and non-polar, with glutamic acid, which is acidic and polar, at codon 18 of the COL10A1 protein (p.Gly18Glu).

OMIM
Classification: Pathogenic for METAPHYSEAL CHONDRODYSPLASIA, SCHMID TYPE. Last evaluated: 1997-01-01. Review status: no assertion criteria provided. Collection method: literature only. Allele origin: germline. Not counted in ClinVar's aggregate classification.

Literature cited by the submitters: PubMed 9067753 (cited by 3 submitters).

NM_000493.4(COL10A1):c.53G>A (p.Gly18Glu)

Genes: COL10A1 (collagen type X alpha 1 chain; minus strand), NT5DC1 (5'-nucleotidase domain containing 1; plus strand). Cytogenetic location: 6q22.1.
Variant type: single nucleotide variant.
Coding change: c.53G>A on transcript NM_000493.4 (MANE Select); coding-DNA position 53, G replaced by A.
Protein change: p.Gly18Glu; replaces glycine 18 with glutamic acid.
Molecular consequence: missense variant. On other transcripts: intron variant (1).
Genome position (GRCh38, 1-based): chr6:116,125,440, C>T on the plus strand (G>A on the coding strand, the complement: COL10A1 is on the minus strand). VCF-style: chr6-116125440-C-T. GRCh37 (hg19) VCF-style: chr6-116446603-C-T.
Other names: c.53G>A, p.Gly18Glu (NM_001424106.1, NM_001424107.1); c.529+7495C>T (NM_152729.3); short protein forms G18E.
Identifiers: ClinVar variation 17476 (VCV000017476.11), dbSNP rs111033551, ClinGen allele CA127219.